The following is an entry in ClinVar:

NM_001378120.1(MBD5):c.5179A>G (p.Arg1727Gly)

Gene: MBD5 (methyl-CpG binding domain protein 5; plus strand). Cytogenetic location: 2q23.1.
Variant type: single nucleotide variant.
Coding change: c.5179A>G on transcript NM_001378120.1 (MANE Select); coding-DNA position 5179, A replaced by G.
Protein change: p.Arg1727Gly; replaces arginine 1727 with glycine.
Molecular consequence: missense variant.
Genome position (GRCh38, 1-based): chr2:148,512,936, A>G. VCF-style: chr2-148512936-A-G. GRCh37 (hg19) VCF-style: chr2-149270505-A-G.
Other names: c.4480A>G, p.Arg1494Gly (NM_018328.5); short protein forms R1494G, R1727G.
Identifiers: ClinVar variation 857292 (VCV000857292.10), dbSNP rs1243468520, ClinGen allele CA348859478.

ClinVar aggregate classification (germline): Uncertain significance (1 of 4 stars; one submission).

Conditions:
Intellectual developmental disorder, autosomal dominant 1. Also called: Intellectual disability, autosomal dominant 1; MBD5 Haploinsufficiency. Identifiers: Orphanet 228402, MedGen C1969562, MONDO:0007974, OMIM 156200.

Allele frequency attached by ClinVar (database versions not stated): gnomAD exomes 0.00002; gnomAD 0.00001.
gnomAD v4.1: 23 of 1,613,346 alleles (0.0014%); highest among the groups gnomAD compares: Non-Finnish European, 0.002%; no homozygotes.

Submission:

Labcorp Genetics (formerly Invitae), Labcorp
Classification: Uncertain significance for Intellectual developmental disorder, autosomal dominant 1. Last evaluated: 2024-06-28. Review status: criteria provided, single submitter. Criteria: Invitae Variant Classification Sherloc (09022015). Collection method: clinical testing. Allele origin: germline.
Comment: This sequence change replaces arginine, which is basic and polar, with glycine, which is neutral and non-polar, at codon 1494 of the MBD5 protein (p.Arg1494Gly). This variant is not present in population databases (gnomAD no frequency). This variant has not been reported in the literature in individuals affected with MBD5-related conditions. ClinVar contains an entry for this variant (Variation ID: 857292). Experimental studies and prediction algorithms are not available or were not evaluated, and the functional significance of this variant is currently unknown. In summary, the available evidence is currently insufficient to determine the role of this variant in disease. Therefore, it has been classified as a Variant of Uncertain Significance.